The following is an entry in ClinVar:

NM_024496.4(IRF2BPL):c.754G>A (p.Val252Met)

Gene: IRF2BPL (interferon regulatory factor 2 binding protein like; minus strand). Cytogenetic location: 14q24.3.
Variant type: single nucleotide variant.
Coding change: c.754G>A on transcript NM_024496.4 (MANE Select); coding-DNA position 754, G replaced by A.
Protein change: p.Val252Met; replaces valine 252 with methionine.
Molecular consequence: missense variant.
Genome position (GRCh38, 1-based): chr14:77,027,039, C>T on the plus strand (G>A on the coding strand, the complement: IRF2BPL is on the minus strand). VCF-style: chr14-77027039-C-T. GRCh37 (hg19) VCF-style: chr14-77493382-C-T.
Other names: short protein forms V252M.
Identifiers: ClinVar variation 3731534 (VCV003731534.1).

ClinVar aggregate classification (germline): Uncertain significance (1 of 4 stars; one submission).

Conditions:
Neurodevelopmental disorder with regression, abnormal movements, loss of speech, and seizures. Identifiers: Orphanet 597623, MedGen C4748127, MONDO:0060759, OMIM 618088.

Submission:

Neuberg Centre For Genomic Medicine, NCGM
Classification: Uncertain significance for Neurodevelopmental disorder with regression, abnormal movements, loss of speech, and seizures. Review status: criteria provided, single submitter. Criteria: ACMG Guidelines, 2015. Collection method: clinical testing. Allele origin: germline. Inheritance: Autosomal dominant inheritance. Affected: yes.
Comment: The missense c.754G>A (p.Val252Met) variant in IRF2BPL gene has not been reported previously as a pathogenic variant nor as a benign variant, to our knowledge. The p.Val252Met variant is present with allele frequency of 0.0007% in gnomAD Exomes. This variant has not been submitted to the ClinVar database. Multiple lines of computational evidence (Polyphen - Possibly Damaging, SIFT - Damaging and MutationTaster - Disease causing) predict a damaging effect on protein structure and function for this variant. The reference amino acid at this position in IRF2BPL is predicted as conserved by GERP++ and PhyloP across 100 vertebrates. The amino acid Val at position 252 is changed to a Met changing protein sequence and it might alter its composition and physico-chemical properties. For these reasons, this variant has been classified as a Variant of Uncertain Significance (VUS).